The following is an entry in ClinVar:

NM_016284.5(CNOT1):c.3056A>G (p.Gln1019Arg)

Gene: CNOT1 (CCR4-NOT transcription complex subunit 1; minus strand). Cytogenetic location: 16q21.
Variant type: single nucleotide variant.
Coding change: c.3056A>G on transcript NM_016284.5 (MANE Select); coding-DNA position 3056, A replaced by G.
Protein change: p.Gln1019Arg; replaces glutamine 1019 with arginine.
Molecular consequence: missense variant. On other transcripts: non-coding transcript variant (1).
Genome position (GRCh38, 1-based): chr16:58,551,734, T>C on the plus strand (A>G on the coding strand, the complement: CNOT1 is on the minus strand). VCF-style: chr16-58551734-T-C. GRCh37 (hg19) VCF-style: chr16-58585638-T-C.
Other names: c.3041A>G, p.Gln1014Arg (NM_001265612.2); c.3056A>G, p.Gln1019Arg (NM_206999.3); short protein forms Q1019R, Q1014R.
Identifiers: ClinVar variation 2077028 (VCV002077028.4), dbSNP rs2040454800, ClinGen allele CA396172948.

ClinVar aggregate classification (germline): Uncertain significance (1 of 4 stars; one submission).

Allele frequency attached by ClinVar (database versions not stated): TOPMed below 0.00001.

Submission:

Labcorp Genetics (formerly Invitae), Labcorp
Classification: Uncertain significance. Last evaluated: 2022-05-12. Review status: criteria provided, single submitter. Criteria: Invitae Variant Classification Sherloc (09022015). Collection method: clinical testing. Allele origin: germline.
Comment: This variant has not been reported in the literature in individuals affected with CNOT1-related conditions. In summary, the available evidence is currently insufficient to determine the role of this variant in disease. Therefore, it has been classified as a Variant of Uncertain Significance. Algorithms developed to predict the effect of missense changes on protein structure and function (SIFT, PolyPhen-2, Align-GVGD) all suggest that this variant is likely to be tolerated. This variant is not present in population databases (gnomAD no frequency). This sequence change replaces glutamine, which is neutral and polar, with arginine, which is basic and polar, at codon 1014 of the CNOT1 protein (p.Gln1014Arg).